The following is an entry in ClinVar:

ClinVar aggregate classification (germline): Conflicting classifications of pathogenicity. Review status: criteria provided, conflicting classifications (1 of 4 stars). 6 submissions from 6 submitters: Uncertain significance (5); Likely benign (1). Last evaluated 2025-08-27.

Conditions:
Cardiovascular phenotype. Identifiers: MedGen CN230736.
Metachondromatosis (METCDS). Identifiers: Orphanet 2499, MedGen C0410530, MONDO:0007979, OMIM 156250.
LEOPARD syndrome 1 (LPRD1). Also called: LENTIGINOSIS, CARDIOMYOPATHIC; MULTIPLE LENTIGINES SYNDROME; PTPN11-Related LEOPARD Syndrome. Identifiers: Orphanet 500, MedGen C4551484, MONDO:0100082, OMIM 151100.
Juvenile myelomonocytic leukemia (JMML). Also called: LEUKEMIA, JUVENILE MYELOMONOCYTIC, SOMATIC. Identifiers: Orphanet 86834, MedGen C0349639, MONDO:0011908, OMIM 607785, HP:0012209.
Noonan syndrome 1 (NS1). Also called: PTPN11-Related Noonan Syndrome; TURNER PHENOTYPE WITH NORMAL KARYOTYPE; FEMALE PSEUDO-TURNER SYNDROME. Identifiers: Orphanet 648, MedGen C4551602, MONDO:0008104, OMIM 163950. Disease mechanism: gain of function.
RASopathy. Also called: rasopathies; Noonan spectrum disorder. Identifiers: Orphanet 536391, MedGen C5555857, MONDO:0021060.

Allele frequency attached by ClinVar (database versions not stated): gnomAD exomes 0.00002 and 0.00004; TOPMed 0.00003; ExAC 0.00004.
gnomAD v4.1: 32 of 1,613,566 alleles (0.002%); highest among the groups gnomAD compares: Middle Eastern, 0.051%; no homozygotes.

Submissions (6):

Labcorp Genetics (formerly Invitae), Labcorp
Classification: Uncertain significance for RASopathy. Last evaluated: 2025-08-27. Review status: criteria provided, single submitter. Criteria: Invitae Variant Classification Sherloc (09022015). Collection method: clinical testing. Allele origin: germline.
Comment: This sequence change replaces asparagine, which is neutral and polar, with serine, which is neutral and polar, at codon 298 of the PTPN11 protein (p.Asn298Ser). This variant is present in population databases (rs572274623, gnomAD 0.01%). This variant has not been reported in the literature in individuals affected with PTPN11-related conditions. ClinVar contains an entry for this variant (Variation ID: 181500). Invitae Evidence Modeling of protein sequence and biophysical properties (such as structural, functional, and spatial information, amino acid conservation, physicochemical variation, residue mobility, and thermodynamic stability) indicates that this missense variant is not expected to disrupt PTPN11 protein function with a negative predictive value of 95%. In summary, the available evidence is currently insufficient to determine the role of this variant in disease. Therefore, it has been classified as a Variant of Uncertain Significance.

Women's Health and Genetics/Laboratory Corporation of America, LabCorp
Classification: Uncertain significance. Last evaluated: 2024-05-20. Review status: criteria provided, single submitter. Criteria: LabCorp Variant Classification Summary - May 2015. Collection method: clinical testing. Allele origin: germline.
Comment: Variant summary: PTPN11 c.893A>G (p.Asn298Ser) results in a conservative amino acid change located in the Tyrosine-specific protein phosphatase, PTPase domain (IPR000242) of the encoded protein sequence. Four of five in-silico tools predict a benign effect of the variant on protein function. The variant allele was found at a frequency of 4e-05 in 251432 control chromosomes. This frequency is not significantly higher than estimated for a pathogenic variant in PTPN11 causing Noonan Syndrome (4e-05 vs 6.3e-05), allowing no conclusion about variant significance. To our knowledge, no occurrence of c.893A>G in individuals affected with Noonan Syndrome and no experimental evidence demonstrating its impact on protein function have been reported. ClinVar contains an entry for this variant (Variation ID: 181500). Based on the evidence outlined above, the variant was classified as uncertain significance.

Blueprint Genetics
Classification: Uncertain significance. Last evaluated: 2022-07-13. Review status: criteria provided, single submitter. Criteria: ACMG Guidelines, 2015. Collection method: clinical testing. Allele origin: germline.

Fulgent Genetics
Classification: Uncertain significance for LEOPARD syndrome 1; Metachondromatosis; Noonan syndrome 1; Juvenile myelomonocytic leukemia. Last evaluated: 2021-09-09. Review status: criteria provided, single submitter. Criteria: ACMG Guidelines, 2015. Collection method: clinical testing. Allele origin: unknown.

Ambry Genetics
Classification: Likely benign for Cardiovascular phenotype. Last evaluated: 2020-08-18. Review status: criteria provided, single submitter. Criteria: Ambry Variant Classification Scheme 2023. Collection method: clinical testing. Allele origin: germline.

GeneDx
Classification: Uncertain significance. Last evaluated: 2017-08-22. Review status: criteria provided, single submitter. Criteria: GeneDx Variant Classification (06012015). Collection method: clinical testing. Allele origin: germline. Affected: yes.
Comment: The N298S variant has not been published as pathogenic or been reported as benign to our knowledge. This variant is not observed at significant frequencies in large population cohorts (Lek et al., 2016; 1000 Genomes Consortium et al., 2015; Exome Variant Server). The N298S variant is a conservative amino acid substitution, which is not likely to impact secondary protein structure as these residues share similar properties. In addition, this substitution occurs at a position where amino acids with similar properties to asparagine (N) are tolerated across species, and serine (S) is tolerated at this position in at least one species. Furthermore, in silico analysis is inconsistent in its predictions as to whether or not the variant is damaging to the protein structure/function.

NM_002834.5(PTPN11):c.893A>G (p.Asn298Ser)

Gene: PTPN11 (protein tyrosine phosphatase non-receptor type 11; plus strand). Cytogenetic location: 12q24.13.
Variant type: single nucleotide variant.
Coding change: c.893A>G on transcript NM_002834.5 (MANE Select); coding-DNA position 893, A replaced by G.
Protein change: p.Asn298Ser; replaces asparagine 298 with serine.
Molecular consequence: missense variant.
Genome position (GRCh38, 1-based): chr12:112,477,690, A>G. VCF-style: chr12-112477690-A-G. GRCh37 (hg19) VCF-style: chr12-112915494-A-G.
Other names: p.N298S:AAT>AGT; c.893A>G, p.Asn298Ser (NM_001330437.2, NM_080601.3); c.890A>G, p.Asn297Ser (NM_001374625.1); short protein forms N298S, N297S.
Identifiers: ClinVar variation 181500 (VCV000181500.14), dbSNP rs572274623, ClinGen allele CA297088.